The following is an entry in ClinVar:

ClinVar aggregate classification (germline): Conflicting classifications of pathogenicity. Review status: criteria provided, conflicting classifications (1 of 4 stars). 3 submissions from 3 submitters: Pathogenic (1); Likely pathogenic (1); Uncertain significance (1). Last evaluated 2024-04-09.

Conditions:
AMH-related disorder. Also called: AMH-related condition.

Allele frequency attached by ClinVar (database versions not stated): gnomAD 0.00007; gnomAD exomes 0.00007 and 0.00037; TOPMed 0.00008; 1000 Genomes Project 30x 0.00016; 1000 Genomes Project 0.00020.
gnomAD v4.1: 500 of 1,512,948 alleles (0.033%); highest among the groups gnomAD compares: Non-Finnish European, 0.043%; 1 homozygote.

Submissions (3):

GeneDx
Classification: Uncertain significance. Last evaluated: 2024-04-09. Review status: criteria provided, single submitter. Criteria: GeneDx Variant Classification Process June 2021. Collection method: clinical testing. Allele origin: germline. Affected: yes.
Comment: In silico analysis indicates that this missense variant does not alter protein structure/function; This variant is associated with the following publications: (PMID: 36629155, 28528332, 28410456, 37004205, 28505284, 34810374, 26358501, 24382961, 30786001, 30668521)

Labcorp Genetics (formerly Invitae), Labcorp
Classification: Pathogenic. Last evaluated: 2022-12-24. Review status: criteria provided, single submitter. Criteria: Invitae Variant Classification Sherloc (09022015). Collection method: clinical testing. Allele origin: germline.
Comment: This variant disrupts the p.Arg302 amino acid residue in AMH. Other variant(s) that disrupt this residue have been observed in individuals with AMH-related conditions (PMID: 28528332), which suggests that this may be a clinically significant amino acid residue. Experimental studies have shown that this missense change affects AMH function (PMID: 28505284). Algorithms developed to predict the effect of missense changes on protein structure and function are either unavailable or do not agree on the potential impact of this missense change (SIFT: "Not Available"; PolyPhen-2: "Possibly Damaging"; Align-GVGD: "Not Available"). ClinVar contains an entry for this variant (Variation ID: 1435809). This missense change has been observed in individuals with persistent mullerian duct syndrome (PMID: 28528332, 30668521; Invitae). This variant is present in population databases (rs536688211, gnomAD 0.01%). This sequence change replaces arginine, which is basic and polar, with glutamine, which is neutral and polar, at codon 302 of the AMH protein (p.Arg302Gln). For these reasons, this variant has been classified as Pathogenic.

PreventionGenetics, part of Exact Sciences
Classification: Likely pathogenic for AMH-related condition. Last evaluated: 2022-12-21. Review status: criteria provided, single submitter. Criteria: ACMG Guidelines, 2015. Collection method: clinical testing. Allele origin: germline.
Comment: The AMH c.905G>A variant is predicted to result in the amino acid substitution p.Arg302Gln. This variant has been reported in the heterozygous state in one individual with polycystic ovary syndrome (Gorsic et al. 2017. PubMed ID: 28505284). This variant has also been reported along with a second AMH variant in two individuals with persistent Mullerian duct syndrome (PMDS) (Supplementary Table 1, Picard et al. 2017. PubMed ID: 28528332; Hughes et al. 2019. PubMed ID: 30668521). Functional studies have shown that this variant significantly reduces the AMH signaling activity (Gorsic et al 2017. PubMed ID: 28505284; Gorsic et al. 2019. PubMed ID: 30786001). This variant is reported in 0.016% of alleles in individuals of European (Non-Finnish) descent in gnomAD. Based on above observations, this variant is interpreted as likely pathogenic.

Literature cited by the submitters: PubMed 28528332 (cited by Labcorp Genetics (formerly Invitae), Labcorp); PubMed 28505284 (cited by Labcorp Genetics (formerly Invitae), Labcorp); PubMed 30668521 (cited by Labcorp Genetics (formerly Invitae), Labcorp).

NM_000479.5(AMH):c.905G>A (p.Arg302Gln)

Gene: AMH (anti-Mullerian hormone; plus strand). Cytogenetic location: 19p13.3.
Variant type: single nucleotide variant.
Coding change: c.905G>A on transcript NM_000479.5 (MANE Select); coding-DNA position 905, G replaced by A.
Protein change: p.Arg302Gln; replaces arginine 302 with glutamine.
Molecular consequence: missense variant.
Genome position (GRCh38, 1-based): chr19:2,251,179, G>A. VCF-style: chr19-2251179-G-A. GRCh37 (hg19) VCF-style: chr19-2251178-G-A.
Other names: c.905G>A (NM_000479.4, NM_000479.3); short protein forms R302Q.
Identifiers: ClinVar variation 1435809 (VCV001435809.7), dbSNP rs536688211, ClinGen allele CA304213870.